The following is an entry in ClinVar:

NM_001377334.1(PIK3C2B):c.4233A>G (p.Glu1411=)

Gene: PIK3C2B (phosphatidylinositol-4-phosphate 3-kinase catalytic subunit type 2 beta; minus strand). Cytogenetic location: 1q32.1.
Variant type: single nucleotide variant.
Coding change: c.4233A>G on transcript NM_001377334.1 (MANE Select); coding-DNA position 4233, A replaced by G.
Protein change: p.Glu1411=; no amino-acid change (glutamic acid 1411 retained).
Molecular consequence: synonymous variant.
Genome position (GRCh38, 1-based): chr1:204,431,716, T>C on the plus strand (A>G on the coding strand, the complement: PIK3C2B is on the minus strand). VCF-style: chr1-204431716-T-C. GRCh37 (hg19) VCF-style: chr1-204400844-T-C.
Other names: c.4149A>G, p.Glu1383= (NM_001377335.1); c.4233A>G, p.Glu1411= (NM_002646.4).
Identifiers: ClinVar variation 3057927 (VCV003057927.2), dbSNP rs112275388, ClinGen allele CA1347203.

ClinVar aggregate classification (germline): Benign (0 of 4 stars; one submission).

Conditions:
PIK3C2B-related disorder. Also called: PIK3C2B-related condition.

Allele frequency attached by ClinVar (database versions not stated): ExAC 0.00089; gnomAD 0.00240; TOPMed 0.00241; ESP Exome Variant Server 0.00354; 1000 Genomes Project 30x 0.00422; 1000 Genomes Project 0.00479.
gnomAD v4.1: 820 of 1,614,204 alleles (0.051%); highest among the groups gnomAD compares: African/African-American, 0.88%; 7 homozygotes.

Submission:

PreventionGenetics, part of Exact Sciences
Classification: Benign for PIK3C2B-related condition. Last evaluated: 2019-03-08. Review status: no assertion criteria provided. Collection method: clinical testing. Allele origin: germline.
Comment: This variant is classified as benign based on ACMG/AMP sequence variant interpretation guidelines (Richards et al. 2015 PMID: 25741868, with internal and published modifications).